The following is an entry in ClinVar:

ClinVar aggregate classification (germline): Likely benign. Review status: criteria provided, single submitter (1 of 4 stars). 2 submissions from 2 submitters: Likely benign (1). 1 of the submissions does not count toward it. Last evaluated 2026-01-19.

Conditions:
POMT1-related disorder. Also called: POMT1-related disorders; POMT1-related condition.
Walker-Warburg congenital muscular dystrophy. Also called: Muscular dystrophy-dystroglycanopathy, type A; Walker-Warburg syndrome. Identifiers: Orphanet 899, MedGen C0265221, MONDO:0000171.
Muscular dystrophy-dystroglycanopathy (congenital with impaired intellectual development), type B, 1. Also called: Muscular dystrophy-dystroglycanopathy (congenital with intellectual disability), type B1; MUSCULAR DYSTROPHY, CONGENITAL, POMT1-RELATED. Identifiers: MedGen C5436962, MONDO:0013159, OMIM 613155.
Autosomal recessive limb-girdle muscular dystrophy type 2K. Also called: MUSCULAR DYSTROPHY-DYSTROGLYCANOPATHY (LIMB-GIRDLE), TYPE C, 1; MUSCULAR DYSTROPHY, LIMB-GIRDLE, TYPE 2K. Identifiers: Orphanet 86812, MedGen C1836373, MONDO:0012248, OMIM 609308.

Allele frequency attached by ClinVar (database versions not stated): gnomAD 0.00005 and 0.00006; gnomAD exomes 0.00008 and 0.00006; ExAC 0.00010; ESP Exome Variant Server 0.00015; TOPMed 0.00005.

Submissions (2):

Labcorp Genetics (formerly Invitae), Labcorp
Classification: Likely benign for Muscular dystrophy-dystroglycanopathy (congenital with impaired intellectual development), type B, 1; Walker-Warburg congenital muscular dystrophy; Autosomal recessive limb-girdle muscular dystrophy type 2K. Last evaluated: 2026-01-19. Review status: criteria provided, single submitter. Criteria: Invitae Variant Classification Sherloc (09022015). Collection method: clinical testing. Allele origin: germline.

PreventionGenetics, part of Exact Sciences
Classification: Likely benign for POMT1-related condition. Last evaluated: 2019-09-11. Review status: no assertion criteria provided. Collection method: clinical testing. Allele origin: germline. Not counted in ClinVar's aggregate classification.
Comment: This variant is classified as likely benign based on ACMG/AMP sequence variant interpretation guidelines (Richards et al. 2015 PMID: 25741868, with internal and published modifications).

NM_001077365.2(POMT1):c.1251C>T (p.Pro417=)

Gene: POMT1 (protein O-mannosyltransferase 1; plus strand). Cytogenetic location: 9q34.13.
Variant type: single nucleotide variant.
Coding change: c.1251C>T on transcript NM_001077365.2 (MANE Select); coding-DNA position 1251, C replaced by T.
Protein change: p.Pro417=; no amino-acid change (proline 417 retained).
Molecular consequence: synonymous variant. On other transcripts: non-coding transcript variant (10).
Genome position (GRCh38, 1-based): chr9:131,515,501, C>T. VCF-style: chr9-131515501-C-T. GRCh37 (hg19) VCF-style: chr9-134390888-C-T.
Other names: c.1317C>T (NM_007171.3); c.1089C>T, p.Pro363= (NM_001077366.2, NM_001353194.2); c.1251C>T, p.Pro417= (NM_001136113.2, NM_001374690.1); c.900C>T, p.Pro300= (NM_001136114.2, NM_001353195.2, NM_001374691.1 and 2 more transcripts); c.1317C>T, p.Pro439= (NM_001353193.2, NM_007171.4); c.1161C>T, p.Pro387= (NM_001353196.2); c.1155C>T, p.Pro385= (NM_001353197.2, NM_001353198.2); c.966C>T, p.Pro322= (NM_001353199.2); and 3 more.
Identifiers: ClinVar variation 1116785 (VCV001116785.11), dbSNP rs376749638, ClinGen allele CA5293592.